The following is an entry in ClinVar:

NM_001079872.2(CUL4B):c.949C>T (p.His317Tyr)

Gene: CUL4B (cullin 4B; minus strand). Cytogenetic location: Xq24.
Variant type: single nucleotide variant.
Coding change: c.949C>T on transcript NM_001079872.2 (MANE Select); coding-DNA position 949, C replaced by T.
Protein change: p.His317Tyr; replaces histidine 317 with tyrosine.
Molecular consequence: missense variant.
Genome position (GRCh38, 1-based): chrX:120,544,615, G>A on the plus strand (C>T on the coding strand, the complement: CUL4B is on the minus strand). VCF-style: chrX-120544615-G-A. GRCh37 (hg19) VCF-style: chrX-119678470-G-A.
Other names: c.964C>T, p.His322Tyr (NM_001330624.2); c.415C>T, p.His139Tyr (NM_001369145.1); c.1003C>T, p.His335Tyr (NM_003588.4); short protein forms H139Y, H317Y, H322Y, H335Y.
Identifiers: ClinVar variation 2661330 (VCV002661330.24), dbSNP rs750144966, ClinGen allele CA10505604.

ClinVar aggregate classification (germline): Likely benign (1 of 4 stars; one submission).

Allele frequency attached by ClinVar (database versions not stated): gnomAD exomes 0.00001; ExAC 0.00003.
gnomAD v4.1: 16 of 1,208,585 alleles (0.0013%); highest among the groups gnomAD compares: South Asian, 0.018%; no homozygotes.

Submission:

CeGaT Center for Human Genetics Tuebingen
Classification: Likely benign. Last evaluated: 2023-08-01. Review status: criteria provided, single submitter. Criteria: CeGaT Center For Human Genetics Tuebingen Variant Classification Criteria Version 2. Collection method: clinical testing. Allele origin: germline. Affected: yes. Observed: 1 variant allele.
Comment: CUL4B: BS2